The following is an entry in ClinVar:

ClinVar aggregate classification (germline): Pathogenic. Review status: reviewed by expert panel (3 of 4 stars). 10 submissions from 10 submitters: Pathogenic (1). 9 of the submissions do not count toward it. Last evaluated 2024-12-03.

Conditions:
Monogenic short statue.
RAF1-related disorder. Also called: RAF1-related condition; RAF1-related disorders.
RASopathy. Also called: rasopathies; Noonan spectrum disorder. Identifiers: Orphanet 536391, MedGen C5555857, MONDO:0021060.
Noonan syndrome (NS). Also called: Noonan's syndrome. Identifiers: Orphanet 648, MedGen C0028326, MeSH D009634, MONDO:0018997. Disease mechanism: gain of function.
Noonan syndrome 1 (NS1). Also called: FEMALE PSEUDO-TURNER SYNDROME; TURNER PHENOTYPE WITH NORMAL KARYOTYPE; PTPN11-Related Noonan Syndrome. Identifiers: Orphanet 648, MedGen C4551602, MONDO:0008104, OMIM 163950. Disease mechanism: gain of function.

Submissions (10):

ClinGen RASopathy Variant Curation Expert Panel
Classification: Pathogenic for RASopathy. Last evaluated: 2024-12-03. Review status: reviewed by expert panel. Criteria: ClinGen RASopathy ACMG Specifications RAF1 V2.3.0. Collection method: curation. Allele origin: germline. Inheritance: Autosomal dominant inheritance.
Comment: The c.775T>A (p.Ser259Thr) variant in the RAF1 gene is a missense variant predicted to cause substitution of serine by threonine at amino acid 259. This variant is absent from gnomAD v2 (PM2_Supporting). The computational predictor REVEL gives a score of 0.753, which is above the threshold of 0.7 and is evidence that correlates with impact to RAF1 function (PP3). The variant is located in the RAF1 gene, which has been defined by the ClinGen RASopathy Expert Panel as a gene with a low rate of benign missense variants and pathogenic missense variants are common (PP2; PMID: 29493581). The variant is also in a location that has been defined by the ClinGen RASopathy Expert Panel to be a mutational hotspot or domain of RAF1 (PM1; PMID 29493581). The p.Ser259Thr variant has been identified in at least 8 independent occurrences in patients with a RASopathy (PS4; GeneDx, Partners LMM, Institute of Human Genetics, Otto von Guericke University Magdeburg internal data; GTR ID's: 26957, 21766, 506381 PMID: 21784453; ClinVar SCV000061360.5; SCV000209017.10). The variant has also been reported to segregate with clinical features of a RASopathy in at least 3 family members (PP1; GeneDx, Zenker et al. internal data; ClinVar SCV000209017.9). Additionally, it has been reported in the literature in at least 2 unconfirmed de novo occurrences in patients with clinical features of a RASopathy (PM6_Strong; APHP-Robert Debré Hospital internal data; GTR ID's: 28338). At least 2 other pathogenic missense variants have been previously identified at this codon of RAF1 which may indicate that this residue is critical to the function of the protein (PM5_Strong; ClinVar 40603, 40602, 228288). In vitro functional studies also provide some evidence that the p.Ser259Thr variant may impact protein function (PS3_Supporting; PMID: 21784453, 20052757). In summary, this variant meets the criteria to be classified as pathogenic for autosomal dominant RASopathy based on the ACMG/AMP criteria applied, as specified by the ClinGen RASopathy VCEP: PM5_Strong, PM6_Strong, PS4, PM1, PP1, PP2, PP3, PM2_Supporting, PS3_Supporting. (RASopathy VCEP specifications version 2.3; 12/3/2024)

NHS Central & South Genomic Laboratory Hub
Classification: Pathogenic for Monogenic short statue. Last evaluated: 2025-10-21. Review status: criteria provided, single submitter. Criteria: ACMG Guidelines, 2015. Collection method: clinical testing. Allele origin: germline. Affected: yes. Not counted in ClinVar's aggregate classification.

GeneDx
Classification: Pathogenic. Last evaluated: 2023-03-16. Review status: criteria provided, single submitter. Criteria: GeneDx Variant Classification Process June 2021. Collection method: clinical testing. Allele origin: germline. Affected: yes. Not counted in ClinVar's aggregate classification.
Comment: Not observed at significant frequency in large population cohorts (gnomAD); Published functional studies demonstrate increased activation of MEK and ERK (Kobayashi et al., 2010; Lee et al., 2011); Missense variants in this gene are often considered pathogenic (HGMD); In silico analysis supports that this missense variant does not alter protein structure/function; This variant is associated with the following publications: (PMID: 20052757, 24957944, 9689060, 15520807, 17603483, 17603482, 29493581, 19020799, 33318624, 21784453)

Labcorp Genetics (formerly Invitae), Labcorp
Classification: Pathogenic for RASopathy. Last evaluated: 2022-11-19. Review status: criteria provided, single submitter. Criteria: Invitae Variant Classification Sherloc (09022015). Collection method: clinical testing. Allele origin: germline. Not counted in ClinVar's aggregate classification.
Comment: This variant is not present in population databases (gnomAD no frequency). For these reasons, this variant has been classified as Pathogenic. This variant disrupts the p.Ser259 amino acid residue in RAF1. Other variant(s) that disrupt this residue have been determined to be pathogenic (PMID: 17603483, 20052757, 21784453). This suggests that this residue is clinically significant, and that variants that disrupt this residue are likely to be disease-causing. Experimental studies have shown that this missense change affects RAF1 function (PMID: 21784453). Advanced modeling of protein sequence and biophysical properties (such as structural, functional, and spatial information, amino acid conservation, physicochemical variation, residue mobility, and thermodynamic stability) performed at Invitae indicates that this missense variant is expected to disrupt RAF1 protein function. ClinVar contains an entry for this variant (Variation ID: 40601). This missense change has been observed in individuals with Noonan syndrome (PMID: 19020799; Invitae). This sequence change replaces serine, which is neutral and polar, with threonine, which is neutral and polar, at codon 259 of the RAF1 protein (p.Ser259Thr).

Genetics and Molecular Pathology, SA Pathology
Classification: Pathogenic for Noonan syndrome. Last evaluated: 2022-06-21. Review status: criteria provided, single submitter. Criteria: ACMG Guidelines, 2015. Collection method: clinical testing. Allele origin: germline. Inheritance: Autosomal dominant inheritance. Affected: yes. Not counted in ClinVar's aggregate classification.
Comment: The RAF1 c.775T>A variant is classified as a Pathogenic variant (PS4, PS3, PM5, PP3) This variant is a single nucleotide change in exon 7/18 of the RAF1 gene, which is predicted to change the amino acid serine at position 259 in the protein to threonine. The variant has been reported multiple times in patients with Noonan syndrome and with clinical features of a RASopathy (PMID: 19020799, 21784453, 33318624, 29493581). This variant is in dbSNP (rs3730271) but is absent from population databases (PS4). Functional studies have shown that this variant may impact protein function by increasing activation of MEK and ERK (PMID: 21784453) (PS3). Missense variants in the same residue (p.S259C, p.S259F, p.S259P, p.A259Y) have been previously reported as pathogenic in association with Noonan spectrum disorders (PM5).The variant has been reported in the ClinVar and HGMD as pathogenic/ disease causing. Computational predictions support a deleterious effect on the gene or gene product (PP3).

Revvity Omics, Revvity
Classification: Pathogenic. Last evaluated: 2022-01-10. Review status: criteria provided, single submitter. Criteria: ACMG Guidelines, 2015. Collection method: clinical testing. Allele origin: germline. Not counted in ClinVar's aggregate classification.

Blueprint Genetics
Classification: Pathogenic for RAF1-related disorders. Last evaluated: 2019-09-04. Review status: criteria provided, single submitter. Criteria: ACMG Guidelines, 2015. Collection method: clinical testing. Allele origin: germline. Affected: yes. Observed: 1 variant allele. Not counted in ClinVar's aggregate classification.

Mayo Clinic Laboratories, Mayo Clinic
Classification: Pathogenic. Last evaluated: 2019-06-23. Review status: criteria provided, single submitter. Criteria: ClinGen RASopathy ACMG Specifications v1. Collection method: clinical testing. Allele origin: germline. Observed: 1 variant allele. Not counted in ClinVar's aggregate classification.
Comment: PM6_Strong, PS3, PS4_Supporting, PM1, PM2, PM5_Strong, PP2, PP3, PP1

Laboratory for Molecular Medicine, Mass General Brigham Personalized Medicine
Classification: Likely pathogenic for Noonan syndrome. Last evaluated: 2010-09-09. Review status: criteria provided, single submitter. Criteria: LMM Criteria. Collection method: clinical testing. Allele origin: germline. Observed: 2 variant alleles. Not counted in ClinVar's aggregate classification.
Comment: The Ser259Thr variant in RAF1 has been previously identified in two individuals with clinical features of Noonan syndrome (Ko 2008, LMM unpublished data). In ad dition, two different amino acid changes at this location (Ser259Phe, Ser259Tyr) have been identified in individuals with Noonan spectrum features, suggesting a lterations at this amino acid are not tolerated (Pandit 2007, Kobayashi 2009; LM M unpublished data). Ser259 is also known to be of critical importance to the r egulation of the RAF1 protein (Kobayashi 2009). Therefore, it is likely that thi s variant is pathogenic.

Molecular Genetics, Centre for Human Genetics
Classification: Pathogenic for Noonan syndrome 1. Review status: no assertion criteria provided. Collection method: clinical testing. Allele origin: de novo. Inheritance: Autosomal dominant inheritance. Affected: yes. Observed: 1 variant allele. Not counted in ClinVar's aggregate classification.

Literature cited by the submitters: PubMed 29493581 (cited by ClinGen RASopathy Variant Curation Expert Panel and Genetics and Molecular Pathology, SA Pathology); PubMed 17603483 (cited by Labcorp Genetics (formerly Invitae), Labcorp); PubMed 20052757 (cited by Labcorp Genetics (formerly Invitae), Labcorp); PubMed 21784453 (cited by 3 submitters); PubMed 19020799 (cited by 4 submitters); PubMed 33318624 (cited by Genetics and Molecular Pathology, SA Pathology).

NM_002880.4(RAF1):c.775T>A (p.Ser259Thr)

Gene: RAF1 (Raf-1 proto-oncogene, serine/threonine kinase; minus strand). Cytogenetic location: 3p25.2.
Variant type: single nucleotide variant.
Coding change: c.775T>A on transcript NM_002880.4 (MANE Select); coding-DNA position 775, T replaced by A.
Protein change: p.Ser259Thr; replaces serine 259 with threonine.
Molecular consequence: missense variant. On other transcripts: non-coding transcript variant (3).
Genome position (GRCh38, 1-based): chr3:12,604,195, A>T on the plus strand (T>A on the coding strand, the complement: RAF1 is on the minus strand). VCF-style: chr3-12604195-A-T. GRCh37 (hg19) VCF-style: chr3-12645694-A-T.
Other names: p.S259T:TCC>ACC; NM_002880.3(RAF1):c.775T>A; NM_002880.4(RAF1):c.775T>A; c.775T>A, p.Ser259Thr (NM_001354689.3, NM_001354690.3); c.532T>A, p.Ser178Thr (NM_001354691.3, NM_001354692.3, NM_001354694.3); c.676T>A, p.Ser226Thr (NM_001354693.3); c.433T>A, p.Ser145Thr (NM_001354695.3); short protein forms S259T, S145T, S178T, S226T.
Identifiers: ClinVar variation 40601 (VCV000040601.30), dbSNP rs3730271, ClinGen allele CA261617.